The following is an entry in ClinVar:

ClinVar aggregate classification (germline): Benign (0 of 4 stars; one submission).

Conditions:
Deafness dystonia syndrome (MTS). Also called: OPTICOACOUSTIC NERVE ATROPHY WITH DEMENTIA; Opticoacustic nerve atrophy with dementia; Nerve deafness optic nerve atrophy, and dementia; Syndrome of opticoacoustic nerve atrophy with dementia; DYSTONIA-DEAFNESS SYNDROME, X-LINKED; DEAFNESS SYNDROME, PROGRESSIVE, WITH BLINDNESS, DYSTONIA, FRACTURES, AND MENTAL DEFICIENCY. Identifiers: Orphanet 52368, MedGen C0796074, MONDO:0010578, OMIM 304700.

Submission:

GeneReviews
Classification: Benign for Deafness-Dystonia-Optic Neuronopathy Syndrome. Last evaluated: 2003-02-06. Review status: no assertion criteria provided. Collection method: curation. Allele origin: unknown.
ClinVar note: Converted during submission from benign to Benign.

NM_004085.4(TIMM8A):c.*503_*505dup

Gene: TIMM8A (translocase of inner mitochondrial membrane 8A; minus strand). Cytogenetic location: Xq22.1.
Variant type: Duplication.
Coding change: c.*503_*505dup on transcript NM_004085.4 (MANE Select); 503 bases downstream of the stop codon through 505 bases downstream of the stop codon, 3 bases duplicated (GAT; older notation c.*503_*505dupGAT).
Molecular consequence: 3 prime UTR variant.
Genome position (GRCh38, 1-based): chrX:101,345,994-101,345,996, ATC duplicated on the plus strand (GAT on the coding strand, the reverse complement: TIMM8A is on the minus strand); duplicating any 3 consecutive bases within chrX:101,345,994-101,345,997 gives the same sequence; the c. name uses the placement nearest the transcript's 3' end. VCF-style (leftmost placement, unchanged base first): chrX-101345993-G-GATC. GRCh37 (hg19) VCF-style: chrX-100600981-G-GATC.
Other names: c.*2391_*2393dup (NM_001145951.2).
Identifiers: ClinVar variation 21394 (VCV000021394.3), dbSNP rs4024308, ClinGen allele CA342012.